The following is an entry in ClinVar:

ClinVar aggregate classification (germline): Pathogenic (1 of 4 stars; one submission).

Allele frequency attached by ClinVar (database versions not stated): gnomAD exomes 0.00001; ExAC 0.00002.
gnomAD v4.1: 19 of 1,614,204 alleles (0.0012%); highest among the groups gnomAD compares: Non-Finnish European, 0.0014%; no homozygotes.

Submission:

Labcorp Genetics (formerly Invitae), Labcorp
Classification: Pathogenic. Last evaluated: 2022-03-01. Review status: criteria provided, single submitter. Criteria: Invitae Variant Classification Sherloc (09022015). Collection method: clinical testing. Allele origin: germline.
Comment: This variant is present in population databases (rs200262244, gnomAD 0.002%). This sequence change creates a premature translational stop signal (p.Gln835*) in the EMC1 gene. It is expected to result in an absent or disrupted protein product. Loss-of-function variants in EMC1 are known to be pathogenic (PMID: 26572623, 26942288, 29271071). This variant has not been reported in the literature in individuals affected with EMC1-related conditions. For these reasons, this variant has been classified as Pathogenic.

Literature cited by the submitters: PubMed 26572623; PubMed 26942288; PubMed 29271071.

NM_015047.3(EMC1):c.2503C>T (p.Gln835Ter)

Genes: EMC1 (ER membrane protein complex subunit 1; minus strand), EMC1-AS1 (EMC1 antisense RNA 1; plus strand). Cytogenetic location: 1p36.13.
Variant type: single nucleotide variant.
Coding change: c.2503C>T on transcript NM_015047.3 (MANE Select); coding-DNA position 2503, C replaced by T.
Protein change: p.Gln835Ter; replaces glutamine 835 with a stop codon.
Molecular consequence: nonsense.
Genome position (GRCh38, 1-based): chr1:19,222,708, G>A on the plus strand (C>T on the coding strand, the complement: EMC1 is on the minus strand). VCF-style: chr1-19222708-G-A. GRCh37 (hg19) VCF-style: chr1-19549202-G-A.
Other names: c.2500C>T, p.Gln834Ter (NM_001271427.2, NM_001271428.2); c.2437C>T, p.Gln813Ter (NM_001271429.2); c.2512C>T, p.Gln838Ter (NM_001375820.1); c.2509C>T, p.Gln837Ter (NM_001375821.1); short protein forms Q835*, Q837*, Q813*, Q834*, Q838*.
Identifiers: ClinVar variation 1385137 (VCV001385137.6), dbSNP rs200262244, ClinGen allele CA652258.